The following is an entry in ClinVar:

NM_017514.5(PLXNA3):c.262C>T (p.His88Tyr)

Gene: PLXNA3 (plexin A3; plus strand). Cytogenetic location: Xq28.
Variant type: single nucleotide variant.
Coding change: c.262C>T on transcript NM_017514.5 (MANE Select); coding-DNA position 262, C replaced by T.
Protein change: p.His88Tyr; replaces histidine 88 with tyrosine.
Molecular consequence: missense variant.
Genome position (GRCh38, 1-based): chrX:154,460,445, C>T. VCF-style: chrX-154460445-C-T. GRCh37 (hg19) VCF-style: chrX-153688785-C-T.
Other names: c.262C>T (NM_017514.3); short protein forms H88Y.
Identifiers: ClinVar variation 2636891 (VCV002636891.3), dbSNP rs968688350, ClinGen allele CA337310345.
Genomic context (GRCh38, chrX:154,460,445, plus strand): 5'-ACGGGGCCCGTCGAGGACAACGCTCGCTGCTACCCGCCCCCCAGCATGCGCGTGTGTGCC[C>T]ACCGCCTGGCCCCCGTGGACAACATCAACAAGCTGCTGCTCATAGACTATGCGGCCCGCC-3'
Protein context (NP_059984.3, residues 78-98): YPPPSMRVCA[His88Tyr]RLAPVDNINK

ClinVar aggregate classification (germline): Uncertain significance. Review status: criteria provided, multiple submitters, no conflicts (2 of 4 stars). 2 submissions from 2 submitters: Uncertain significance (2). Last evaluated 2026-06-01.

Conditions:
PLXNA3-related disorder. Also called: PLXNA3-related condition.

Allele frequency attached by ClinVar (database versions not stated): gnomAD exomes 0.00001.

Submissions (2):

PreventionGenetics, part of Exact Sciences
Classification: Uncertain significance for PLXNA3-related condition. Last evaluated: 2026-06-01. Review status: criteria provided, single submitter. Criteria: ACMG Guidelines, 2015. Collection method: clinical testing. Allele origin: germline.
Comment: The PLXNA3 c.262C>T variant is predicted to result in the amino acid substitution p.His88Tyr. To our knowledge, this variant has not been reported in the literature or in a large population database (gnomAD), indicating this variant is rare. At this time, the clinical significance of this variant is uncertain due to the absence of conclusive functional and genetic evidence.

Ambry Genetics
Classification: Uncertain significance. Last evaluated: 2025-05-01. Review status: criteria provided, single submitter. Criteria: Ambry Variant Classification Scheme 2023. Collection method: clinical testing. Allele origin: germline.